The following is an entry in ClinVar:

ClinVar aggregate classification (germline): Uncertain significance (1 of 4 stars; one submission).

Submission:

GeneDx
Classification: Uncertain significance. Last evaluated: 2016-08-01. Review status: criteria provided, single submitter. Criteria: GeneDx Variant Classification (06012015). Collection method: clinical testing. Allele origin: germline. Affected: yes.
Comment: This variant is denoted AXIN2 c.920T>G at the cDNA level, p.Leu307Arg (L307R) at the protein level, and results in the change of a Leucine to an Arginine (CTG>CGG). This variant has not, to our knowledge, been published in the literature as pathogenic or benign. AXIN2 Leu307Arg was not observed in approximately 6,500 individuals of European and African American ancestry in the NHLBI Exome Sequencing Project, suggesting it is not a common benign variant in these populations. Since Leucine and Arginine differ in polarity, charge, size or other properties, this is considered a non-conservative amino acid substitution. AXIN2 Leu307Arg occurs at a position where amino acids with properties similar to Leucine are tolerated across species and is not located in a known functional domain (Salahshor 2005, UniProt). In silico analyses are inconsistent regarding the effect this variant may have on protein structure and function. Based on currently available evidence, it is unclear whether AXIN2 Leu307Arg is a pathogenic or benign variant. We consider it to be a variant of uncertain significance.

NM_004655.4(AXIN2):c.920T>G (p.Leu307Arg)

Gene: AXIN2 (axin 2; minus strand). Cytogenetic location: 17q24.1.
Variant type: single nucleotide variant.
Coding change: c.920T>G on transcript NM_004655.4 (MANE Select); coding-DNA position 920, T replaced by G.
Protein change: p.Leu307Arg; replaces leucine 307 with arginine.
Molecular consequence: missense variant.
Genome position (GRCh38, 1-based): chr17:65,549,556, A>C on the plus strand (T>G on the coding strand, the complement: AXIN2 is on the minus strand). VCF-style: chr17-65549556-A-C. GRCh37 (hg19) VCF-style: chr17-63545674-A-C.
Other names: c.920T>G (LRG_296t1); c.920T>G, p.Leu307Arg (NM_001363813.1); short protein forms L307R.
Identifiers: ClinVar variation 421872 (VCV000421872.2), dbSNP rs1064795416, ClinGen allele CA16620575.